The following is an entry in ClinVar:

ClinVar aggregate classification (germline): Uncertain significance (1 of 4 stars; one submission).

Conditions:
Methylmalonic acidemia due to methylmalonyl-CoA epimerase deficiency. Also called: METHYLMALONIC ACIDURIA III; Methylmalonyl-CoA Epimerase Deficiency; METHYLMALONYL-CoA RACEMASE DEFICIENCY. Identifiers: Orphanet 308425, MedGen C1855100, MONDO:0009615, OMIM 251120.

Allele frequency attached by ClinVar (database versions not stated): ExAC 0.00001.
gnomAD v4.1: 7 of 1,614,184 alleles (0.00043%); highest among the groups gnomAD compares: Admixed American, 0.0033%; no homozygotes.

Submission:

Labcorp Genetics (formerly Invitae), Labcorp
Classification: Uncertain significance for Methylmalonic acidemia due to methylmalonyl-CoA epimerase deficiency. Last evaluated: 2024-10-15. Review status: criteria provided, single submitter. Criteria: Invitae Variant Classification Sherloc (09022015). Collection method: clinical testing. Allele origin: germline.
Comment: This sequence change replaces asparagine, which is neutral and polar, with serine, which is neutral and polar, at codon 90 of the MCEE protein (p.Asn90Ser). This variant is not present in population databases (gnomAD no frequency). This variant has not been reported in the literature in individuals affected with MCEE-related conditions. ClinVar contains an entry for this variant (Variation ID: 2179222). An algorithm developed to predict the effect of missense changes on protein structure and function outputs the following: PolyPhen-2: "Benign". The serine amino acid residue is found in multiple mammalian species, which suggests that this missense change does not adversely affect protein function. Algorithms developed to predict the effect of sequence changes on RNA splicing suggest that this variant may create or strengthen a splice site. In summary, the available evidence is currently insufficient to determine the role of this variant in disease. Therefore, it has been classified as a Variant of Uncertain Significance.

NM_032601.4(MCEE):c.269A>G (p.Asn90Ser)

Gene: MCEE (methylmalonyl-CoA epimerase; minus strand). Cytogenetic location: 2p13.3.
Variant type: single nucleotide variant.
Coding change: c.269A>G on transcript NM_032601.4 (MANE Select); coding-DNA position 269, A replaced by G.
Protein change: p.Asn90Ser; replaces asparagine 90 with serine.
Molecular consequence: missense variant.
Genome position (GRCh38, 1-based): chr2:71,124,315, T>C on the plus strand (A>G on the coding strand, the complement: MCEE is on the minus strand). VCF-style: chr2-71124315-T-C. GRCh37 (hg19) VCF-style: chr2-71351445-T-C.
Other names: short protein forms N90S.
Identifiers: ClinVar variation 2179222 (VCV002179222.3), dbSNP rs758798866, ClinGen allele CA1702616.
Genomic context (GRCh38, chr2:71,124,315, plus strand): 5'-CCTGCAATTGGACTGTCACGTCCCAATGGATGAAGCAGTTCCATCTTGGTATTTCCCAGG[T>C]TGACAAAAACAACAGATACTCCATGTTCAGGAAGAGGGACCGCTTCACTTACCTGGGCCC-3'
Protein context (NP_115990.3, residues 80-100): PEHGVSVVFV[Asn90Ser]LGNTKMELLH